The following is an entry in ClinVar:

ClinVar aggregate classification (germline): Pathogenic (1 of 4 stars; one submission).

Conditions:
X-linked lymphoproliferative disease due to SH2D1A deficiency (XLP1). Also called: SH2D1A-Related Lymphoproliferative Disease, X-Linked; EBV infection severe susceptibility to; Epstein Barr virus infection familial fatal; Duncan's syndrome; DUNCAN DISEASE; IMMUNODEFICIENCY 5. Identifiers: Orphanet 2442, Orphanet 538931, MedGen C5399825, MONDO:0024551, OMIM 308240.

Submission:

Labcorp Genetics (formerly Invitae), Labcorp
Classification: Pathogenic for X-linked lymphoproliferative disease due to SH2D1A deficiency. Last evaluated: 2023-11-27. Review status: criteria provided, single submitter. Criteria: Invitae Variant Classification Sherloc (09022015). Collection method: clinical testing. Allele origin: germline.
Comment: A gross deletion of the genomic region encompassing the full coding sequence of the SH2D1A gene has been identified. Loss-of-function variants in SH2D1A are known to be pathogenic (PMID: 9771704, 11049992, 15711562). The boundaries of this event are unknown as they extend beyond the assayed region for this gene and therefore may encompass additional genes. A similar copy number variant has been observed in individual(s) with X-linked lymphoproliferative disease (PMID: 10598819, 23829589). For these reasons, this variant has been classified as Pathogenic.

Literature cited by the submitters: PubMed 9771704; PubMed 11049992; PubMed 15711562; PubMed 10598819; PubMed 23829589.

NC_000023.10:g.(?_123480493)_(123505241_?)del

Gene: SH2D1A (SH2 domain containing 1A; plus strand). Cytogenetic location: Xq25.
Variant type: Deletion.
Identifiers: ClinVar variation 1459977 (VCV001459977.5).